The following is an entry in ClinVar:

ClinVar aggregate classification (germline): Uncertain significance (0 of 4 stars; one submission).

Conditions:
PLXNA3-related disorder. Also called: PLXNA3-related condition.

Submission:

PreventionGenetics, part of Exact Sciences
Classification: Uncertain significance for PLXNA3-related condition. Last evaluated: 2024-03-01. Review status: no assertion criteria provided. Collection method: clinical testing. Allele origin: germline.
Comment: The PLXNA3 c.1900G>A variant is predicted to result in the amino acid substitution p.Val634Ile. To our knowledge, this variant has not been reported in the literature or in a large population database, indicating this variant is rare. At this time, the clinical significance of this variant is uncertain due to the absence of conclusive functional and genetic evidence.

NM_017514.5(PLXNA3):c.1900G>A (p.Val634Ile)

Gene: PLXNA3 (plexin A3; plus strand). Cytogenetic location: Xq28.
Variant type: single nucleotide variant.
Coding change: c.1900G>A on transcript NM_017514.5 (MANE Select); coding-DNA position 1900, G replaced by A.
Protein change: p.Val634Ile; replaces valine 634 with isoleucine.
Molecular consequence: missense variant.
Genome position (GRCh38, 1-based): chrX:154,464,473, G>A. VCF-style: chrX-154464473-G-A. GRCh37 (hg19) VCF-style: chrX-153692816-G-A.
Other names: short protein forms V634I.
Identifiers: ClinVar variation 3353999 (VCV003353999.1).
Genomic context (GRCh38, chrX:154,464,473, plus strand): 5'-ACTGTGCGGCTGCAGCTTCTCTCCAAGGAGACAGGCGTGAGGTTTGCCGGTGCTGACTTT[G>A]TCTTCTACAACTGCAGCGTCCTCCAGTCGTGAGTACCTGGCCAGCACCCGTCCCTACCCC-3'
Protein context (NP_059984.3, residues 624-644): TGVRFAGADF[Val634Ile]FYNCSVLQSC